The following is an entry in ClinVar:

NM_000020.3(ACVRL1):c.466G>A (p.Glu156Lys)

Gene: ACVRL1 (activin A receptor like type 1; plus strand). Cytogenetic location: 12q13.13.
Variant type: single nucleotide variant.
Coding change: c.466G>A on transcript NM_000020.3 (MANE Select); coding-DNA position 466, G replaced by A.
Protein change: p.Glu156Lys; replaces glutamic acid 156 with lysine.
Molecular consequence: missense variant.
Genome position (GRCh38, 1-based): chr12:51,913,711, G>A. VCF-style: chr12-51913711-G-A. GRCh37 (hg19) VCF-style: chr12-52307495-G-A.
Other names: NM_000020.3(ACVRL1):c.466G>A; p.Glu156Lys; c.466G>A, p.Glu156Lys (NM_001077401.2, NM_001406487.1, NM_001406488.1 and 1 more transcripts); short protein forms E156K.
Identifiers: ClinVar variation 1742308 (VCV001742308.30), dbSNP rs767598335, ClinGen allele CA6572913.

ClinVar aggregate classification (germline): Uncertain significance. Review status: reviewed by expert panel (3 of 4 stars). 5 submissions from 5 submitters: Uncertain significance (1). 4 of the submissions do not count toward it. Last evaluated 2025-12-12.

Conditions:
Cardiovascular phenotype. Identifiers: MedGen CN230736.
Telangiectasia, hereditary hemorrhagic, type 2 (HHT2). Also called: ACVRL1-Related Hereditary Hemorrhagic Telangiectasia; Telangiectasia, hereditary hemorrhagic, type II. Identifiers: Orphanet 774, MedGen C1838163, MONDO:0010880, OMIM 600376. Disease mechanism: loss of function.

Allele frequency attached by ClinVar (database versions not stated): ExAC 0.00001; gnomAD 0.00001; TOPMed 0.00002.

Submissions (5):

ClinGen Hereditary Hemorrhagic Telangiectasia Variant Curation Expert Panel, ClinGen
Classification: Uncertain significance for Telangiectasia, hereditary hemorrhagic, type 2. Last evaluated: 2025-12-12. Review status: reviewed by expert panel. Criteria: ClinGen HHT ACMG Specifications ACVRL1 V1.1.0. Collection method: curation. Allele origin: germline. Inheritance: Autosomal dominant inheritance.
Comment: The NM_000020.3: c.466G>A variant in ACVRL1 is a missense variant predicted to cause substitution of glutamic acid by lysine at amino acid 156 (p.Glu156Lys). This variant is reported in gnomAD v2.1.1 with an allele frequency of 0.000004029 (PM2_Supporting). In summary, this variant meets the criterion to be classified as a variant of uncertain significance (VUS) for autosomal dominant hereditary hemorrhagic telangiectasia based on the ACMG/AMP criteria applied, as specified by the ClinGen Hereditary Hemorrhagic Telangiectasia Variant Curation Expert Panel. Approved by Expert Panel: 12/12/2025. Evidence used: PM2_Supporting (specification version 1.1.0; 12/12/2025).

Ambry Genetics
Classification: Uncertain significance for Cardiovascular phenotype. Last evaluated: 2026-03-31. Review status: criteria provided, single submitter. Criteria: Ambry Variant Classification Scheme 2023. Collection method: clinical testing. Allele origin: germline. Not counted in ClinVar's aggregate classification.

Fulgent Genetics
Classification: Uncertain significance for Telangiectasia, hereditary hemorrhagic, type 2. Last evaluated: 2024-05-16. Review status: criteria provided, single submitter. Criteria: ACMG Guidelines, 2015. Collection method: clinical testing. Allele origin: germline. Not counted in ClinVar's aggregate classification.

CeGaT Center for Human Genetics Tuebingen
Classification: Likely benign. Last evaluated: 2023-07-01. Review status: criteria provided, single submitter. Criteria: CeGaT Center For Human Genetics Tuebingen Variant Classification Criteria Version 2. Collection method: clinical testing. Allele origin: germline. Affected: yes. Observed: 1 variant allele. Not counted in ClinVar's aggregate classification.
Comment: ACVRL1: BP4

Labcorp Genetics (formerly Invitae), Labcorp
Classification: Uncertain significance for Telangiectasia, hereditary hemorrhagic, type 2. Last evaluated: 2023-06-02. Review status: criteria provided, single submitter. Criteria: Invitae Variant Classification Sherloc (09022015). Collection method: clinical testing. Allele origin: germline. Not counted in ClinVar's aggregate classification.
Comment: This sequence change replaces glutamic acid, which is acidic and polar, with lysine, which is basic and polar, at codon 156 of the ACVRL1 protein (p.Glu156Lys). This variant is present in population databases (rs767598335, gnomAD 0.0009%). This variant has not been reported in the literature in individuals affected with ACVRL1-related conditions. ClinVar contains an entry for this variant (Variation ID: 1742308). Algorithms developed to predict the effect of missense changes on protein structure and function output the following: SIFT: "Not Available"; PolyPhen-2: "Benign"; Align-GVGD: "Not Available". The lysine amino acid residue is found in multiple mammalian species, which suggests that this missense change does not adversely affect protein function. In summary, the available evidence is currently insufficient to determine the role of this variant in disease. Therefore, it has been classified as a Variant of Uncertain Significance.